The following is an entry in ClinVar:

ClinVar aggregate classification (germline): Uncertain significance (1 of 4 stars; one submission).

Conditions:
Familial cancer of breast. Also called: BREAST CANCER, FAMILIAL; Hereditary breast cancer; hereditary breast carcinoma. Identifiers: Orphanet 227535, MedGen C0346153, MONDO:0016419, OMIM 114480. Disease mechanism: loss of function.

Allele frequency attached by ClinVar (database versions not stated): TOPMed below 0.00001; gnomAD 0.00001.
gnomAD v4.1: 1 of 1,613,598 alleles (0.000062%); highest among the groups gnomAD compares: Non-Finnish European, 0.000085%; no homozygotes.

Submission:

Labcorp Genetics (formerly Invitae), Labcorp
Classification: Uncertain significance for Familial cancer of breast. Last evaluated: 2025-05-19. Review status: criteria provided, single submitter. Criteria: Invitae Variant Classification Sherloc (09022015). Collection method: clinical testing. Allele origin: germline.
Comment: This sequence change replaces asparagine, which is neutral and polar, with histidine, which is basic and polar, at codon 108 of the PALB2 protein (p.Asn108His). This variant is not present in population databases (gnomAD no frequency). This variant has not been reported in the literature in individuals affected with PALB2-related conditions. ClinVar contains an entry for this variant (Variation ID: 1421665). An algorithm developed to predict the effect of missense changes on protein structure and function (PolyPhen-2) suggests that this variant is likely to be disruptive. In summary, the available evidence is currently insufficient to determine the role of this variant in disease. Therefore, it has been classified as a Variant of Uncertain Significance.

NM_024675.4(PALB2):c.322A>C (p.Asn108His)

Gene: PALB2 (partner and localizer of BRCA2; minus strand). Cytogenetic location: 16p12.2.
Variant type: single nucleotide variant.
Coding change: c.322A>C on transcript NM_024675.4 (MANE Select); coding-DNA position 322, A replaced by C.
Protein change: p.Asn108His; replaces asparagine 108 with histidine.
Molecular consequence: missense variant.
Genome position (GRCh38, 1-based): chr16:23,636,224, T>G on the plus strand (A>C on the coding strand, the complement: PALB2 is on the minus strand). VCF-style: chr16-23636224-T-G. GRCh37 (hg19) VCF-style: chr16-23647545-T-G.
Other names: short protein forms N108H.
Identifiers: ClinVar variation 1421665 (VCV001421665.7), dbSNP rs1240552147, ClinGen allele CA395138761.